The following is an entry in ClinVar:

NM_000540.3(RYR1):c.10958T>A (p.Phe3653Tyr)

Gene: RYR1 (ryanodine receptor 1; plus strand). Cytogenetic location: 19q13.2.
Variant type: single nucleotide variant.
Coding change: c.10958T>A on transcript NM_000540.3 (MANE Select); coding-DNA position 10958, T replaced by A.
Protein change: p.Phe3653Tyr; replaces phenylalanine 3653 with tyrosine.
Molecular consequence: missense variant.
Genome position (GRCh38, 1-based): chr19:38,528,619, T>A. VCF-style: chr19-38528619-T-A. GRCh37 (hg19) VCF-style: chr19-39019259-T-A.
Other names: p.Phe3648Tyr; c.10943T>A, p.Phe3648Tyr (NM_001042723.2); short protein forms F3648Y, F3653Y.
Identifiers: ClinVar variation 1678653 (VCV001678653.3), dbSNP rs2145723708, ClinGen allele CA405649718.

ClinVar aggregate classification (germline): Uncertain significance (1 of 4 stars; one submission).

Conditions:
Central core myopathy (CMYO1A). Also called: CONGENITAL MYOPATHY 1A, AUTOSOMAL DOMINANT, WITH SUSCEPTIBILITY TO MALIGNANT HYPERTHERMIA; Central core disease; Myopathy, central fibrillar. Identifiers: Orphanet 597, MedGen C5830701, MONDO:0007294, OMIM 117000.

Submission:

Foundation for Research in Genetics and Endocrinology, FRIGE's Institute of Human Genetics
Classification: Uncertain significance for Central core myopathy. Last evaluated: 2022-03-12. Review status: criteria provided, single submitter. Criteria: ACMG Guidelines, 2015. Collection method: clinical testing. Allele origin: germline. Inheritance: Autosomal recessive inheritance. Affected: yes. Observed: 1 homozygote.
Comment: A homozygous missense variation in exon 74 of the RYRI gene that results in the amino acid substitution of Tyrosine for Phenylalanine at codon 3648 was detected. The observed variant c.10943T>A (p.Phe3648Tyr) has not been reported in the 1000 genomes and gnomAD databases. The in silico prediction of the variant are possibly damaging by PolyPhen-2 (HumDiv) and damaging by SIFT. The reference codon is conserved across species.